The following is an entry in ClinVar:

ClinVar aggregate classification (germline): Uncertain significance (1 of 4 stars; one submission).

Allele frequency attached by ClinVar (database versions not stated): TOPMed below 0.00001; gnomAD 0.00001; gnomAD exomes 0.00001.
gnomAD v4.1: 20 of 1,611,530 alleles (0.0012%); highest among the groups gnomAD compares: Non-Finnish European, 0.0015%; no homozygotes.

Submission:

Labcorp Genetics (formerly Invitae), Labcorp
Classification: Uncertain significance. Last evaluated: 2022-01-16. Review status: criteria provided, single submitter. Criteria: Invitae Variant Classification Sherloc (09022015). Collection method: clinical testing. Allele origin: germline.
Comment: In summary, the available evidence is currently insufficient to determine the role of this variant in disease. Therefore, it has been classified as a Variant of Uncertain Significance. Algorithms developed to predict the effect of missense changes on protein structure and function are either unavailable or do not agree on the potential impact of this missense change (SIFT: "Not Available"; PolyPhen-2: "Possibly Damaging"; Align-GVGD: "Not Available"). This variant has not been reported in the literature in individuals affected with LCT-related conditions. This variant is present in population databases (no rsID available, gnomAD 0.007%). This sequence change replaces serine, which is neutral and polar, with leucine, which is neutral and non-polar, at codon 1121 of the LCT protein (p.Ser1121Leu).

NM_002299.4(LCT):c.3362C>T (p.Ser1121Leu)

Gene: LCT (lactase; minus strand). Cytogenetic location: 2q21.3.
Variant type: single nucleotide variant.
Coding change: c.3362C>T on transcript NM_002299.4 (MANE Select); coding-DNA position 3362, C replaced by T.
Protein change: p.Ser1121Leu; replaces serine 1121 with leucine.
Molecular consequence: missense variant.
Genome position (GRCh38, 1-based): chr2:135,808,985, G>A on the plus strand (C>T on the coding strand, the complement: LCT is on the minus strand). VCF-style: chr2-135808985-G-A. GRCh37 (hg19) VCF-style: chr2-136566555-G-A.
Other names: short protein forms S1121L.
Identifiers: ClinVar variation 1906806 (VCV001906806.5), dbSNP rs1268587670, ClinGen allele CA348599813.